The following is an entry in ClinVar:

ClinVar aggregate classification (germline): Uncertain significance (1 of 4 stars; one submission).

Submission:

Women's Health and Genetics/Laboratory Corporation of America, LabCorp
Classification: Uncertain significance. Last evaluated: 2024-05-07. Review status: criteria provided, single submitter. Criteria: LabCorp Variant Classification Summary - May 2015. Collection method: clinical testing. Allele origin: germline.
Comment: Variant summary: SGCG c.244G>C (p.Gly82Arg) results in a non-conservative amino acid change in the encoded protein sequence. Five of five in-silico tools predict a damaging effect of the variant on protein function. The variant was absent in 251400 control chromosomes (gnomAD). To our knowledge, no occurrence of c.244G>C in individuals affected with limb-girdle muscular dystrophy and no experimental evidence demonstrating an impact on protein function have been reported. However, a different nucleotide change (c.244G>A) resulting in the same amino acid consequence has been reported in the literature in a homozygous individual affected with autosomal recessive limb-girdle muscular dystrophy (Klinge_2008). The following publication has been ascertained in the context of this evaluation (PMID: 18996010). No submitters have cited clinical-significance assessments for this variant to ClinVar. Based on the evidence outlined above, the variant was classified as uncertain significance.

Literature cited by the submitters: PubMed 18996010.

NM_000231.3(SGCG):c.244G>C (p.Gly82Arg)

Gene: SGCG (sarcoglycan gamma; plus strand). Cytogenetic location: 13q12.12.
Variant type: single nucleotide variant.
Coding change: c.244G>C on transcript NM_000231.3 (MANE Select); coding-DNA position 244, G replaced by C.
Protein change: p.Gly82Arg; replaces glycine 82 with arginine.
Molecular consequence: missense variant.
Genome position (GRCh38, 1-based): chr13:23,234,659, G>C. VCF-style: chr13-23234659-G-C. GRCh37 (hg19) VCF-style: chr13-23808798-G-C.
Other names: c.298G>C, p.Gly100Arg (NM_001378244.1); c.244G>C, p.Gly82Arg (NM_001378245.1, NM_001378246.1); short protein forms G100R, G82R.
Identifiers: ClinVar variation 3336115 (VCV003336115.1).
Genomic context (GRCh38, chr13:23,234,659, plus strand): 5'-TTTTTTTAACAGGCAGGAATGGGCCACTTGTGTGTAACAAAAGATGGACTGCGCTTGGAA[G>C]GGGAATCAGAATTTTTATTCCCATTGTATGCCAAAGAAATACACTCCAGAGTGGTAAGAA-3'
Protein context (NP_000222.2, residues 72-92): CVTKDGLRLE[Gly82Arg]ESEFLFPLYA